The following is an entry in ClinVar:

ClinVar aggregate classification (germline): Uncertain significance (1 of 4 stars; one submission).

Conditions:
Wilson disease (WND). Also called: Wilson's disease. Identifiers: Orphanet 905, MedGen C0019202, MONDO:0010200, OMIM 277900. Disease mechanism: loss of function.

gnomAD v4.1: 1 of 1,614,174 alleles (0.000062%); highest among the groups gnomAD compares: Non-Finnish European, 0.000085%; no homozygotes.

Submission:

All of Us Research Program, National Institutes of Health
Classification: Uncertain significance for Wilson disease. Last evaluated: 2023-05-31. Review status: criteria provided, single submitter. Criteria: ACMG Guidelines, 2015. Collection method: clinical testing. Allele origin: germline. Inheritance: Autosomal recessive inheritance. Observed: 1 variant allele, 1 heterozygote.
Comment: This study involves interpretation of variants in research participants for the purpose of population health screening. Participant phenotype was not available at the time of variant classification. Additional details can be found in publication PMID: 35346344, PMCID: PMC8962531

NM_000053.4(ATP7B):c.3670C>G (p.Arg1224Gly)

Gene: ATP7B (ATPase copper transporting beta; minus strand). Cytogenetic location: 13q14.3.
Variant type: single nucleotide variant.
Coding change: c.3670C>G on transcript NM_000053.4 (MANE Select); coding-DNA position 3670, C replaced by G.
Protein change: p.Arg1224Gly; replaces arginine 1224 with glycine.
Molecular consequence: missense variant.
Genome position (GRCh38, 1-based): chr13:51,939,080, G>C on the plus strand (C>G on the coding strand, the complement: ATP7B is on the minus strand). VCF-style: chr13-51939080-G-C. GRCh37 (hg19) VCF-style: chr13-52513216-G-C.
Other names: c.3022C>G, p.Arg1008Gly (NM_001406545.1); c.2989C>G, p.Arg997Gly (NM_001406546.1); c.2827C>G, p.Arg943Gly (NM_001406547.1); c.2380C>G, p.Arg794Gly (NM_001406548.1); c.3049C>G, p.Arg1017Gly (NM_001005918.3); c.3337C>G, p.Arg1113Gly (NM_001243182.2); c.3436C>G, p.Arg1146Gly (NM_001330578.2, NM_001406527.1, NM_001406528.1); c.3418C>G, p.Arg1140Gly (NM_001330579.2, NM_001406531.1, NM_001406532.1); and 20 more; short protein forms R1008G, R1017G, R1030G, R1060G, R1062G, R1075G, R1081G, R1098G.
Identifiers: ClinVar variation 3075587 (VCV003075587.1), dbSNP rs746893370, ClinGen allele CA388023755.